The following is an entry in ClinVar:

NM_030780.5(SLC25A32):c.70G>A (p.Glu24Lys)

Gene: SLC25A32 (solute carrier family 25 member 32; minus strand). Cytogenetic location: 8q22.3.
Variant type: single nucleotide variant.
Coding change: c.70G>A on transcript NM_030780.5 (MANE Select); coding-DNA position 70, G replaced by A.
Protein change: p.Glu24Lys; replaces glutamic acid 24 with lysine.
Molecular consequence: missense variant. On other transcripts: non-coding transcript variant (2).
Genome position (GRCh38, 1-based): chr8:103,414,868, C>T on the plus strand (G>A on the coding strand, the complement: SLC25A32 is on the minus strand). VCF-style: chr8-103414868-C-T. GRCh37 (hg19) VCF-style: chr8-104427096-C-T.
Other names: short protein forms E24K.
Identifiers: ClinVar variation 4701195 (VCV004701195.1).

ClinVar aggregate classification (germline): Uncertain significance (1 of 4 stars; one submission).

Submission:

Labcorp Genetics (formerly Invitae), Labcorp
Classification: Uncertain significance. Last evaluated: 2025-09-22. Review status: criteria provided, single submitter. Criteria: Invitae Variant Classification Sherloc (09022015). Collection method: clinical testing. Allele origin: germline.
Comment: This sequence change replaces glutamic acid, which is acidic and polar, with lysine, which is basic and polar, at codon 24 of the SLC25A32 protein (p.Glu24Lys). This variant is present in population databases (no rsID available, gnomAD 0.0009%). This variant has not been reported in the literature in individuals affected with SLC25A32-related conditions. Invitae Evidence Modeling of protein sequence and biophysical properties (such as structural, functional, and spatial information, amino acid conservation, physicochemical variation, residue mobility, and thermodynamic stability) indicates that this missense variant is not expected to disrupt SLC25A32 protein function with a negative predictive value of 80%. In summary, the available evidence is currently insufficient to determine the role of this variant in disease. Therefore, it has been classified as a Variant of Uncertain Significance.